The following is an entry in ClinVar:

NM_177438.3(DICER1):c.3728T>C (p.Leu1243Pro)

Gene: DICER1 (dicer 1, ribonuclease III; minus strand). Cytogenetic location: 14q32.13.
Variant type: single nucleotide variant.
Coding change: c.3728T>C on transcript NM_177438.3 (MANE Select); coding-DNA position 3728, T replaced by C.
Protein change: p.Leu1243Pro; replaces leucine 1243 with proline.
Molecular consequence: missense variant.
Genome position (GRCh38, 1-based): chr14:95,103,668, A>G on the plus strand (T>C on the coding strand, the complement: DICER1 is on the minus strand). VCF-style: chr14-95103668-A-G. GRCh37 (hg19) VCF-style: chr14-95570005-A-G.
Other names: c.3728T>C, p.Leu1243Pro (NM_001195573.1, NM_001271282.3, NM_001291628.2 and 1 more transcripts); short protein forms L1243P.
Identifiers: ClinVar variation 477161 (VCV000477161.18), dbSNP rs561584807, ClinGen allele CA7330998.
Genomic context (GRCh38, chr14:95,103,668, plus strand): 5'-CCAGGCATTACGGCCATCACAGGACTTCCATCTGAGGTAGATTTGTTAGCATTTCCATCA[A>G]GGTATTTATTACTCAGGAGAGTACATTCATCGCTGGGCTGGGGCTGGTTCTCGTAACTGT-3'
Protein context (NP_803187.1, residues 1233-1253): DECTLLSNKY[Leu1243Pro]DGNANKSTSD

ClinVar aggregate classification (germline): Conflicting classifications of pathogenicity. Review status: criteria provided, conflicting classifications (1 of 4 stars). 4 submissions from 4 submitters: Uncertain significance (1); Likely benign (3). Last evaluated 2026-01-31.

Conditions:
DICER1-related tumor predisposition. Also called: DICER1-related pleuropulmonary blastoma cancer predisposition syndrome; DICER1 syndrome. Identifiers: Orphanet 284343, MedGen C3839822, MONDO:0100216.
Hereditary cancer-predisposing syndrome. Also called: Tumor predisposition; Neoplastic Syndromes, Hereditary; Hereditary Cancer Syndrome; Hereditary neoplastic syndrome. Identifiers: Orphanet 140162, MedGen C0027672, MeSH D009386, MONDO:0015356.

Allele frequency attached by ClinVar (database versions not stated): ExAC 0.00001; gnomAD 0.00002 and 0.00003; gnomAD exomes 0.00002 and 0.00003; TOPMed 0.00012; 1000 Genomes Project 30x 0.00016; 1000 Genomes Project 0.00020.

Submissions (4):

Labcorp Genetics (formerly Invitae), Labcorp
Classification: Likely benign for DICER1-related tumor predisposition. Last evaluated: 2026-01-31. Review status: criteria provided, single submitter. Criteria: Invitae Variant Classification Sherloc (09022015). Collection method: clinical testing. Allele origin: germline.

Quest Diagnostics Nichols Institute San Juan Capistrano
Classification: Likely benign. Last evaluated: 2025-08-29. Review status: criteria provided, single submitter. Criteria: Quest Diagnostics criteria. Collection method: clinical testing. Allele origin: unknown.

Ambry Genetics
Classification: Likely benign for Hereditary cancer-predisposing syndrome. Last evaluated: 2022-08-24. Review status: criteria provided, single submitter. Criteria: Ambry Variant Classification Scheme 2023. Collection method: clinical testing. Allele origin: germline.

Sema4
Classification: Uncertain significance for Hereditary cancer-predisposing syndrome. Last evaluated: 2021-09-16. Review status: criteria provided, single submitter. Criteria: Sema4 Curation Guidelines. Collection method: curation. Allele origin: germline.
Comment: The DICER1 c.3728T>C (p.L1243P) variant has not been reported in the literature to our knowledge. It was observed in 7/34590 chromosomes of the Latino subpopulation in the large and broad cohorts of the Genome Aggregation Database (PMID: 32461654). The variant has been reported in ClinVar (Variation ID: 477161). Functional studies have not been performed, and in silico predictions of the variant's effect on protein function are inconclusive. The evidence is insufficient to meet ACMG/AMP criteria for classifying the variant as benign or pathogenic. Thus, the clinical significance of this variant is currently uncertain.